The following is an entry in ClinVar:

ClinVar aggregate classification (germline): Uncertain significance (1 of 4 stars; one submission).

Submission:

Labcorp Genetics (formerly Invitae), Labcorp
Classification: Uncertain significance. Last evaluated: 2021-05-08. Review status: criteria provided, single submitter. Criteria: Invitae Variant Classification Sherloc (09022015). Collection method: clinical testing. Allele origin: germline.
Comment: In summary, the available evidence is currently insufficient to determine the role of this variant in disease. Therefore, it has been classified as a Variant of Uncertain Significance. This variant has not been reported in the literature in individuals with ECHS1-related conditions. This variant results in a copy number gain of the genomic region encompassing exon(s) 1-7 of the ECHS1 gene. This region includes the initiator codon of the gene. The 5' end of this event is unknown as it extends beyond the assayed region for this gene and therefore may encompass additional genes. The 3' boundary is likely confined to intron 7 of the ECHS1 gene. As the precise location of this event is unknown, it may be in tandem or it may be located elsewhere in the genome.

NC_000010.10:g.(?_135178142)_(135186837_?)dup

Gene: ECHS1 (enoyl-CoA hydratase, short chain 1; minus strand). Cytogenetic location: 10q26.3.
Variant type: Duplication.
Identifiers: ClinVar variation 1411093 (VCV001411093.4).